The following is an entry in ClinVar:

NR_001566.3(TERC):n.34G>T

Genes: TERC (telomerase RNA component; minus strand), LOC110806306 (telomerase RNA component (TERC) promoter; plus strand). Cytogenetic location: 3q26.2.
Variant type: single nucleotide variant.
Molecular consequence: non-coding transcript variant (on NR_001566.3).
Genome position: GRCh38 VCF-style: chr3-169765027-C-A. GRCh37 (hg19) VCF-style: chr3-169482815-C-A.
Identifiers: ClinVar variation 4540952 (VCV004540952.3).
Genomic context (GRCh38, chr3:169,765,027, plus strand): 5'-GCGCGGGGAGCAAAAGCACGGCGCCTACGCCCTTCTCAGTTAGGGTTAGACAAAAAATGG[C>A]CACCACCCCTCCCAGGCCCACCCTCCGCAACCCGGTGCGCTGCCGGGCGAGTCGGCTTAT-3'

ClinVar aggregate classification (germline): Uncertain significance. Review status: criteria provided, multiple submitters, no conflicts (2 of 4 stars). 3 submissions from 3 submitters: Uncertain significance (3). Last evaluated 2025-10-21.

Conditions:
Dyskeratosis congenita, autosomal dominant 1 (DKCA1). Also called: Dyskeratosis congenita Scoggins type. Identifiers: Orphanet 1775, MedGen C4551974, MONDO:0007485, OMIM 127550. Inheritance: Variable.

Submissions (3):

Mayo Clinic Laboratories, Mayo Clinic
Classification: Uncertain significance. Last evaluated: 2025-10-21. Review status: criteria provided, single submitter. Criteria: ACMG Guidelines, 2015. Collection method: clinical testing. Allele origin: germline. Observed: 1 variant allele.
Comment: PP4, PM1, PM2_supporting

Labcorp Genetics (formerly Invitae), Labcorp
Classification: Uncertain significance for Dyskeratosis congenita, autosomal dominant 1. Last evaluated: 2025-09-10. Review status: criteria provided, single submitter. Criteria: Invitae Variant Classification Sherloc (09022015). Collection method: clinical testing. Allele origin: germline.
Comment: This variant occurs in the TERC gene, which encodes an RNA molecule that does not result in a protein product. This variant is not present in population databases (gnomAD no frequency). This variant has not been reported in the literature in individuals affected with TERC-related conditions. This variant is located within the template/pseudoknot domain of the TERC RNA component, which is required for RNA or RNP stability (PMID: 15082312, 21844345). This variant is located in a region of TERC in which a significant number of disease causing variants have been reported (PMID: 15082312, 21844345, 21931702). These observations suggest that this may be a clinically significant region. In summary, the available evidence is currently insufficient to determine the role of this variant in disease. Therefore, it has been classified as a Variant of Uncertain Significance.

Blueprint Genetics
Classification: Uncertain significance. Last evaluated: 2021-09-30. Review status: criteria provided, single submitter. Criteria: ACMG Guidelines, 2015. Collection method: clinical testing. Allele origin: germline.

Literature cited by the submitters: PubMed 21520174 (cited by Mayo Clinic Laboratories, Mayo Clinic); PubMed 31268371 (cited by Mayo Clinic Laboratories, Mayo Clinic); PubMed 15082312 (cited by Labcorp Genetics (formerly Invitae), Labcorp); PubMed 21844345 (cited by Labcorp Genetics (formerly Invitae), Labcorp); PubMed 21931702 (cited by Labcorp Genetics (formerly Invitae), Labcorp).